The following is an entry in ClinVar:

NM_001130144.3(LTBP3):c.2280G>C (p.Glu760Asp)

Genes: LTBP3 (latent transforming growth factor beta binding protein 3; minus strand), LOC130006029 (ATAC-STARR-seq lymphoblastoid silent region 3532; plus strand). Cytogenetic location: 11q13.1.
Variant type: single nucleotide variant.
Coding change: c.2280G>C on transcript NM_001130144.3 (MANE Select); coding-DNA position 2280, G replaced by C.
Protein change: p.Glu760Asp; replaces glutamic acid 760 with aspartic acid.
Molecular consequence: missense variant.
Genome position (GRCh38, 1-based): chr11:65,546,515, C>G on the plus strand (G>C on the coding strand, the complement: LTBP3 is on the minus strand). VCF-style: chr11-65546515-C-G. GRCh37 (hg19) VCF-style: chr11-65313986-C-G.
Other names: c.1929G>C, p.Glu643Asp (NM_001164266.1); c.2280G>C, p.Glu760Asp (NM_021070.4); short protein forms E760D, E643D.
Identifiers: ClinVar variation 1788938 (VCV001788938.8), dbSNP rs775536766, ClinGen allele CA6100663.

ClinVar aggregate classification (germline): Uncertain significance. Review status: criteria provided, multiple submitters, no conflicts (2 of 4 stars). 2 submissions from 2 submitters: Uncertain significance (2). Last evaluated 2026-01-04.

Conditions:
Brachyolmia-amelogenesis imperfecta syndrome. Also called: PLATYSPONDYLY WITH AMELOGENESIS IMPERFECTA; Tooth agenesis, selective, 6; Dental anomalies and short stature. Identifiers: Orphanet 2899, MedGen C1832594, MONDO:0011018, OMIM 601216. Disease mechanism: loss of function.
Inborn genetic diseases. Identifiers: MedGen C0950123, MeSH D030342.

Allele frequency attached by ClinVar (database versions not stated): ExAC 0.00001; gnomAD 0.00001; TOPMed 0.00001.

Submissions (2):

Labcorp Genetics (formerly Invitae), Labcorp
Classification: Uncertain significance for Brachyolmia-amelogenesis imperfecta syndrome. Last evaluated: 2026-01-04. Review status: criteria provided, single submitter. Criteria: Invitae Variant Classification Sherloc (09022015). Collection method: clinical testing. Allele origin: germline.
Comment: This sequence change replaces glutamic acid, which is acidic and polar, with aspartic acid, which is acidic and polar, at codon 760 of the LTBP3 protein (p.Glu760Asp). This variant is present in population databases (rs775536766, gnomAD 0.002%). This variant has not been reported in the literature in individuals affected with LTBP3-related conditions. ClinVar contains an entry for this variant (Variation ID: 1788938). An algorithm developed to predict the effect of missense changes on protein structure and function (PolyPhen-2) suggests that this variant is likely to be tolerated. In summary, the available evidence is currently insufficient to determine the role of this variant in disease. Therefore, it has been classified as a Variant of Uncertain Significance.

Ambry Genetics
Classification: Uncertain significance for Inborn genetic diseases. Last evaluated: 2025-03-03. Review status: criteria provided, single submitter. Criteria: Ambry Variant Classification Scheme 2023. Collection method: clinical testing. Allele origin: germline.